The following is an entry in ClinVar:

ClinVar aggregate classification (germline): Likely pathogenic (1 of 4 stars; one submission).

Conditions:
Hereditary breast ovarian cancer syndrome. Also called: Hereditary breast and ovarian cancer syndrome; Hereditary breast and ovarian cancer syndrome (HBOC); BRCA1- and BRCA2-Associated Hereditary Breast and Ovarian Cancer; Hereditary breast and/or ovarian cancer syndrome; Hereditary breast and ovarian cancer; Breast and ovarian cancer. Identifiers: Orphanet 145, MedGen C0677776, MeSH D061325, MONDO:0003582. Disease mechanism: loss of function.

Submission:

Breast Care Center, Daerim St. Mary`s Hospital
Classification: Likely pathogenic for Hereditary breast and ovarian cancer syndrome. Last evaluated: 2024-11-12. Review status: criteria provided, single submitter. Criteria: ACMG Guidelines, 2015. Collection method: clinical testing. Allele origin: germline. Inheritance: Autosomal dominant inheritance. Affected: yes. Observed: 1 heterozygote.
Comment: This null variant affects a frameshift indel variant located in coding exon 11 of the BRCA2 gene, where loss of function is a known mechanism of disease. It is not found in the gnomAD genomes or exomes database. Based on the available evidence, this variant is classified as likely pathogenic.

NM_000059.4(BRCA2):c.4855_4858del (p.Asn1619fs)

Gene: BRCA2 (BRCA2 DNA repair associated; plus strand). Cytogenetic location: 13q13.1.
Variant type: Deletion.
Coding change: c.4855_4858del on transcript NM_000059.4 (MANE Select); coding-DNA positions 4855 to 4858, 4 bases deleted (AATT; older notation c.4855_4858delAATT).
Protein change: p.Asn1619fs; shifts the reading frame from asparagine 1619.
Molecular consequence: frameshift variant. On other transcripts: non-coding transcript variant (1), intron variant (2).
Genome position (GRCh38, 1-based): chr13:32,339,210-32,339,213, AATT deleted; deleting any 4 consecutive bases within chr13:32,339,209-32,339,213 gives the same sequence; the c. name uses the placement nearest the transcript's 3' end. VCF-style (leftmost placement, unchanged base first): chr13-32339208-ATAAT-A. GRCh37 (hg19) VCF-style: chr13-32913345-ATAAT-A.
Other names: c.4855_4858del, p.Asn1619fs (NM_001406719.1, NM_001406720.1, NM_001432077.1); c.1910-5348_1910-5345del (NM_001406721.1); c.425-5348_425-5345del (NM_001406722.1); short protein forms N1619fs.
Identifiers: ClinVar variation 3376486 (VCV003376486.2).
Genomic context (GRCh38, chr13:32,339,208, plus strand): 5'-TCAATAATGATAAAAACCTTGTTTCTATTGAGACTGTGGTGCCACCTAAGCTCTTAAGTG[ATAAT>A]TTATGTAGACAAACTGAAAATCTCAAAACATCAAAAAGTATCTTTTTGAAAGTTAAAGTA-3'